The following is an entry in ClinVar:

ClinVar aggregate classification (germline): Uncertain significance (1 of 4 stars; one submission).

gnomAD v4.1: 2 of 1,614,106 alleles (0.00012%); highest among the groups gnomAD compares: South Asian, 0.0011%; no homozygotes.

Submission:

GeneDx
Classification: Uncertain significance. Last evaluated: 2024-11-25. Review status: criteria provided, single submitter. Criteria: GeneDx Variant Classification Process June 2021. Collection method: clinical testing. Allele origin: germline. Affected: yes.
Comment: Not observed at significant frequency in large population cohorts (gnomAD); In silico analysis supports that this missense variant has a deleterious effect on protein structure/function; Has not been previously published as pathogenic or benign to our knowledge

NM_000384.3(APOB):c.8372C>T (p.Ala2791Val)

Gene: APOB (apolipoprotein B; minus strand). Cytogenetic location: 2p24.1.
Variant type: single nucleotide variant.
Coding change: c.8372C>T on transcript NM_000384.3 (MANE Select); coding-DNA position 8372, C replaced by T.
Protein change: p.Ala2791Val; replaces alanine 2791 with valine.
Molecular consequence: missense variant.
Genome position (GRCh38, 1-based): chr2:21,008,496, G>A on the plus strand (C>T on the coding strand, the complement: APOB is on the minus strand). VCF-style: chr2-21008496-G-A. GRCh37 (hg19) VCF-style: chr2-21231368-G-A.
Other names: short protein forms A2791V.
Identifiers: ClinVar variation 3900592 (VCV003900592.1).